The following is an entry in ClinVar:

NM_004369.4(COL6A3):c.7843G>A (p.Asp2615Asn)

Gene: COL6A3 (collagen type VI alpha 3 chain; minus strand). Cytogenetic location: 2q37.3.
Variant type: single nucleotide variant.
Coding change: c.7843G>A on transcript NM_004369.4 (MANE Select); coding-DNA position 7843, G replaced by A.
Protein change: p.Asp2615Asn; replaces aspartic acid 2615 with asparagine.
Molecular consequence: missense variant.
Genome position (GRCh38, 1-based): chr2:237,341,073, C>T on the plus strand (G>A on the coding strand, the complement: COL6A3 is on the minus strand). VCF-style: chr2-237341073-C-T. GRCh37 (hg19) VCF-style: chr2-238249716-C-T.
Other names: c.6022G>A, p.Asp2008Asn (NM_057166.5); c.7225G>A, p.Asp2409Asn (NM_057167.4); short protein forms D2615N, D2409N, D2008N.
Identifiers: ClinVar variation 452370 (VCV000452370.20), dbSNP rs145884404, ClinGen allele CA2187682.

ClinVar aggregate classification (germline): Conflicting classifications of pathogenicity. Review status: criteria provided, conflicting classifications (1 of 4 stars). 6 submissions from 6 submitters: Uncertain significance (5); Likely benign (1). Last evaluated 2025-11-15.

Conditions:
Bethlem myopathy 1A. Also called: MYOPATHY, BENIGN CONGENITAL, WITH CONTRACTURES; Bethlem myopathy 1; Bethlem Muscular Dystrophy. Identifiers: Orphanet 610, MedGen CN029274, MONDO:0024530, OMIM 158810.
Inborn genetic diseases. Identifiers: MedGen C0950123, MeSH D030342.
Dystonia 27 (DYT27). Identifiers: Orphanet 464440, MedGen C4225336, MONDO:0014627, OMIM 616411.

Allele frequency attached by ClinVar (database versions not stated): TOPMed 0.00004.
gnomAD v4.1: 111 of 1,614,162 alleles (0.0069%); highest among the groups gnomAD compares: South Asian, 0.041%; 1 homozygote.

Submissions (6):

Labcorp Genetics (formerly Invitae), Labcorp
Classification: Likely benign for Bethlem myopathy 1A. Last evaluated: 2025-11-15. Review status: criteria provided, single submitter. Criteria: Invitae Variant Classification Sherloc (09022015). Collection method: clinical testing. Allele origin: germline.

Revvity Omics, Revvity
Classification: Uncertain significance. Last evaluated: 2023-10-27. Review status: criteria provided, single submitter. Criteria: ACMG Guidelines, 2015. Collection method: clinical testing. Allele origin: germline.

Department of Pathology and Laboratory Medicine, Sinai Health System
Classification: Uncertain significance for dystonia 27. Last evaluated: 2023-04-21. Review status: criteria provided, single submitter. Criteria: ACMG Guidelines, 2015. Collection method: research. Allele origin: germline.

Ambry Genetics
Classification: Uncertain significance for Inborn genetic diseases. Last evaluated: 2021-11-10. Review status: criteria provided, single submitter. Criteria: Ambry Variant Classification Scheme 2023. Collection method: clinical testing. Allele origin: germline.

GeneDx
Classification: Uncertain significance. Last evaluated: 2019-07-13. Review status: criteria provided, single submitter. Criteria: GeneDx Variant Classification Process June 2021. Collection method: clinical testing. Allele origin: germline. Affected: yes.
Comment: Has not been previously published as pathogenic or benign to our knowledge; In silico analysis, which includes protein predictors and evolutionary conservation, supports that this variant does not alter protein structure/function

Eurofins Ntd Llc (ga)
Classification: Uncertain significance. Last evaluated: 2018-03-15. Review status: criteria provided, single submitter. Criteria: EGL ClinVar v180209 classification definitions. Collection method: clinical testing. Allele origin: germline. Observed: 1 variant allele, 1 heterozygote.